The following is an entry in ClinVar:

ClinVar aggregate classification (germline): Uncertain significance (1 of 4 stars; one submission).

gnomAD v4.1: 13 of 1,559,816 alleles (0.00083%); highest among the groups gnomAD compares: African/African-American, 0.014%; no homozygotes.

Submission:

GeneDx
Classification: Uncertain significance. Last evaluated: 2025-01-02. Review status: criteria provided, single submitter. Criteria: GeneDx Variant Classification Process June 2021. Collection method: clinical testing. Allele origin: germline. Affected: yes.
Comment: In silico analysis indicates that this missense variant does not alter protein structure/function; Has not been previously published as pathogenic or benign to our knowledge

NM_001270974.2(HYDIN):c.7273G>A (p.Gly2425Ser)

Gene: HYDIN (HYDIN axonemal central pair apparatus protein; minus strand). Cytogenetic location: 16q22.2.
Variant type: single nucleotide variant.
Coding change: c.7273G>A on transcript NM_001270974.2 (MANE Select); coding-DNA position 7273, G replaced by A.
Protein change: p.Gly2425Ser; replaces glycine 2425 with serine.
Molecular consequence: missense variant.
Genome position (GRCh38, 1-based): chr16:70,921,103, C>T on the plus strand (G>A on the coding strand, the complement: HYDIN is on the minus strand). VCF-style: chr16-70921103-C-T. GRCh37 (hg19) VCF-style: chr16-70955006-C-T.
Other names: short protein forms G2425S.
Identifiers: ClinVar variation 4055853 (VCV004055853.1).